The following is an entry in ClinVar:

ClinVar aggregate classification (germline): Uncertain significance. Review status: criteria provided, multiple submitters, no conflicts (2 of 4 stars). 2 submissions from 2 submitters: Uncertain significance (2). Last evaluated 2025-04-10.

Conditions:
Inborn genetic diseases. Identifiers: MedGen C0950123, MeSH D030342.
Acute myeloid leukemia (AML). Also called: Leukemia, acute myeloid, somatic; Leukemia, acute myelogenous, somatic; Acute myeloid leukemia, adult; AML adult; Acute non-lymphocytic leukemia; Acute granulocytic leukemia. Identifiers: Orphanet 519, MedGen C0023467, MeSH D015470, MONDO:0018874, OMIM 601626, HP:0004808. Disease mechanism: Constitutively activated FLT3.

Submissions (2):

Ambry Genetics
Classification: Uncertain significance for Inborn genetic diseases. Last evaluated: 2025-04-10. Review status: criteria provided, single submitter. Criteria: Ambry Variant Classification Scheme 2023. Collection method: clinical testing. Allele origin: germline.
Comment: The p.A93E variant (also known as c.278C>A), located in coding exon 1 of the CEBPA gene, results from a C to A substitution at nucleotide position 278. The alanine at codon 93 is replaced by glutamic acid, an amino acid with dissimilar properties. This amino acid position is conserved. In addition, this alteration is predicted to be tolerated by in silico analysis. Based on the available evidence, the clinical significance of this variant remains unclear.

Labcorp Genetics (formerly Invitae), Labcorp
Classification: Uncertain significance for Acute myeloid leukemia. Last evaluated: 2021-05-13. Review status: criteria provided, single submitter. Criteria: Invitae Variant Classification Sherloc (09022015). Collection method: clinical testing. Allele origin: germline.
Comment: In summary, the available evidence is currently insufficient to determine the role of this variant in disease. Therefore, it has been classified as a Variant of Uncertain Significance. Algorithms developed to predict the effect of missense changes on protein structure and function are either unavailable or do not agree on the potential impact of this missense change (SIFT: "Deleterious"; PolyPhen-2: "Probably Damaging"; Align-GVGD: "Class C0"). This variant has not been reported in the literature in individuals with CEBPA-related conditions. The frequency data for this variant in the population databases is considered unreliable, as metrics indicate insufficient coverage at this position in the ExAC database. This sequence change replaces alanine with glutamic acid at codon 93 of the CEBPA protein (p.Ala93Glu). The alanine residue is moderately conserved and there is a moderate physicochemical difference between alanine and glutamic acid.

NM_004364.5(CEBPA):c.278C>A (p.Ala93Glu)

Gene: CEBPA (CCAAT enhancer binding protein alpha; minus strand). Cytogenetic location: 19q13.11.
Variant type: single nucleotide variant.
Coding change: c.278C>A on transcript NM_004364.5 (MANE Select); coding-DNA position 278, C replaced by A.
Protein change: p.Ala93Glu; replaces alanine 93 with glutamic acid.
Molecular consequence: missense variant. On other transcripts: 5 prime UTR variant (1).
Genome position (GRCh38, 1-based): chr19:33,302,137, G>T on the plus strand (C>A on the coding strand, the complement: CEBPA is on the minus strand). VCF-style: chr19-33302137-G-T. GRCh37 (hg19) VCF-style: chr19-33793043-G-T.
Other names: c.-80C>A (NM_001285829.2); c.383C>A, p.Ala128Glu (NM_001287424.2); c.236C>A, p.Ala79Glu (NM_001287435.2); c.278C>A (NM_004364.3); short protein forms A79E, A128E, A93E.
Identifiers: ClinVar variation 1472216 (VCV001472216.9), dbSNP rs1967191835, ClinGen allele CA405275284.